The following is an entry in ClinVar:

NM_006231.4(POLE):c.4148A>T (p.Lys1383Met)

Gene: POLE (DNA polymerase epsilon, catalytic subunit; minus strand). Cytogenetic location: 12q24.33.
Variant type: single nucleotide variant.
Coding change: c.4148A>T on transcript NM_006231.4 (MANE Select); coding-DNA position 4148, A replaced by T.
Protein change: p.Lys1383Met; replaces lysine 1383 with methionine.
Molecular consequence: missense variant.
Genome position (GRCh38, 1-based): chr12:132,648,930, T>A on the plus strand (A>T on the coding strand, the complement: POLE is on the minus strand). VCF-style: chr12-132648930-T-A. GRCh37 (hg19) VCF-style: chr12-133225516-T-A.
Other names: c.4148A>T (NM_006231.2); short protein forms K1383M.
Identifiers: ClinVar variation 2799903 (VCV002799903.4), dbSNP rs2138595948, ClinGen allele CA387383562.
Genomic context (GRCh38, chr12:132,648,930, plus strand): 5'-TGGGAAAGCCACCTCAGGCTGCCCAGATGACTGCAGAGGCAGCACCAGCTCCTCCCTACC[T>A]TGCGATACGAAGCACCCTCCTCCGCTTTAGCGACTCGCTGGTTCACGTAGAACACACGGG-3'
Protein context (NP_006222.2, residues 1373-1393): AKAEEGASYR[Lys1383Met]VNRVLPRSNM

ClinVar aggregate classification (germline): Uncertain significance. Review status: criteria provided, multiple submitters, no conflicts (2 of 4 stars). 2 submissions from 2 submitters: Uncertain significance (2). Last evaluated 2025-12-15.

Conditions:
Hereditary cancer-predisposing syndrome. Also called: Hereditary neoplastic syndrome; Neoplastic Syndromes, Hereditary; Hereditary Cancer Syndrome; Tumor predisposition. Identifiers: Orphanet 140162, MedGen C0027672, MeSH D009386, MONDO:0015356.

Submissions (2):

Labcorp Genetics (formerly Invitae), Labcorp
Classification: Uncertain significance. Last evaluated: 2025-12-15. Review status: criteria provided, single submitter. Criteria: Invitae Variant Classification Sherloc (09022015). Collection method: clinical testing. Allele origin: germline.
Comment: This sequence change replaces lysine, which is basic and polar, with methionine, which is neutral and non-polar, at codon 1383 of the POLE protein (p.Lys1383Met). RNA analysis indicates that this missense change induces altered splicing and likely results in a shortened protein product. This variant is not present in population databases (gnomAD no frequency). This variant has not been reported in the literature in individuals affected with POLE-related conditions. ClinVar contains an entry for this variant (Variation ID: 2799903). An algorithm developed to predict the effect of missense changes on protein structure and function (PolyPhen-2) suggests that this variant is likely to be tolerated. Studies have shown that this missense change results in skipping of exon 32, but is expected to preserve the integrity of the reading-frame (internal data). In summary, the available evidence is currently insufficient to determine the role of this variant in disease. Therefore, it has been classified as a Variant of Uncertain Significance.

Ambry Genetics
Classification: Uncertain significance for Hereditary cancer-predisposing syndrome. Last evaluated: 2024-06-25. Review status: criteria provided, single submitter. Criteria: Ambry Variant Classification Scheme 2023. Collection method: clinical testing. Allele origin: germline.
Comment: The p.K1383M variant (also known as c.4148A>T), located in coding exon 32 of the POLE gene, results from an A to T substitution at nucleotide position 4148. The lysine at codon 1383 is replaced by methionine, an amino acid with similar properties. This amino acid position is conserved. In addition, the in silico prediction for this alteration is inconclusive. Based on the available evidence, the clinical significance of this variant remains unclear.